The following is an entry in ClinVar:

ClinVar aggregate classification (germline): Uncertain significance (1 of 4 stars; one submission).

Submission:

GeneDx
Classification: Uncertain significance. Last evaluated: 2026-08-31. Review status: criteria provided, single submitter. Criteria: GeneDx Variant Classification Process June 2021. Collection method: clinical testing. Allele origin: germline.
Comment: Not observed at significant frequency in large population cohorts (gnomAD); In silico analysis suggests that this missense variant does not alter protein structure/function; Has not been previously published as pathogenic or benign to our knowledge

NM_005120.3(MED12):c.3488A>G (p.Gln1163Arg)

Gene: MED12 (mediator complex subunit 12; plus strand). Cytogenetic location: Xq13.1.
Variant type: single nucleotide variant.
Coding change: c.3488A>G on transcript NM_005120.3 (MANE Select); coding-DNA position 3488, A replaced by G.
Protein change: p.Gln1163Arg; replaces glutamine 1163 with arginine.
Molecular consequence: missense variant.
Genome position (GRCh38, 1-based): chrX:71,129,126, A>G. VCF-style: chrX-71129126-A-G. GRCh37 (hg19) VCF-style: chrX-70348976-A-G.
Other names: short protein forms Q1163R.
Identifiers: ClinVar variation 3906793 (VCV003906793.2).